The following is an entry in ClinVar:

NM_003835.4(RGS9):c.1700G>A (p.Arg567His)

Gene: RGS9 (regulator of G protein signaling 9; plus strand). Cytogenetic location: 17q24.1.
Variant type: single nucleotide variant.
Coding change: c.1700G>A on transcript NM_003835.4 (MANE Select); coding-DNA position 1700, G replaced by A.
Protein change: p.Arg567His; replaces arginine 567 with histidine.
Molecular consequence: missense variant.
Genome position (GRCh38, 1-based): chr17:65,225,294, G>A. VCF-style: chr17-65225294-G-A. GRCh37 (hg19) VCF-style: chr17-63221412-G-A.
Other names: c.1691G>A, p.Arg564His (NM_001081955.3); short protein forms R567H, R564H.
Identifiers: ClinVar variation 1518333 (VCV001518333.6), dbSNP rs1355428022, ClinGen allele CA400673810.
Genomic context (GRCh38, chr17:65,225,294, plus strand): 5'-CCCCCCGTGGGCCCTCTGTCACCGAGAGCAGCGAGGCCTCCCTCGACACCTCCTGGCCTC[G>A]CAGCCGGCCCAGGGCCCCTCCTAAGGCCCGCATGGCTCTGTCCTTCAGCAGGTTTCTGAG-3'
Protein context (NP_003826.2, residues 557-577): SEASLDTSWP[Arg567His]SRPRAPPKAR

ClinVar aggregate classification (germline): Uncertain significance (1 of 4 stars; one submission).

Allele frequency attached by ClinVar (database versions not stated): TOPMed below 0.00001.
gnomAD v4.1: 6 of 1,609,022 alleles (0.00037%); highest among the groups gnomAD compares: Non-Finnish European, 0.00042%; no homozygotes.

Submission:

Labcorp Genetics (formerly Invitae), Labcorp
Classification: Uncertain significance. Last evaluated: 2023-06-30. Review status: criteria provided, single submitter. Criteria: Invitae Variant Classification Sherloc (09022015). Collection method: clinical testing. Allele origin: germline.
Comment: In summary, the available evidence is currently insufficient to determine the role of this variant in disease. Therefore, it has been classified as a Variant of Uncertain Significance. Algorithms developed to predict the effect of missense changes on protein structure and function output the following: SIFT: "Not Available"; PolyPhen-2: "Benign"; Align-GVGD: "Not Available". The histidine amino acid residue is found in multiple mammalian species, which suggests that this missense change does not adversely affect protein function. ClinVar contains an entry for this variant (Variation ID: 1518333). This variant has not been reported in the literature in individuals affected with RGS9-related conditions. This variant is not present in population databases (gnomAD no frequency). This sequence change replaces arginine, which is basic and polar, with histidine, which is basic and polar, at codon 567 of the RGS9 protein (p.Arg567His).